The following is an entry in ClinVar:

ClinVar aggregate classification (germline): Uncertain significance. Review status: criteria provided, multiple submitters, no conflicts (2 of 4 stars). 2 submissions from 2 submitters: Uncertain significance (2). Last evaluated 2025-06-11.

Conditions:
Inborn genetic diseases. Identifiers: MedGen C0950123, MeSH D030342.

Allele frequency attached by ClinVar (database versions not stated): 1000 Genomes Project 30x 0.00016; TOPMed 0.00002; 1000 Genomes Project 0.00020; gnomAD 0.00001; ExAC 0.00004.
gnomAD v4.1: 17 of 1,614,240 alleles (0.0011%); highest among the groups gnomAD compares: East Asian, 0.031%; no homozygotes.

Submissions (2):

Ambry Genetics
Classification: Uncertain significance for Inborn genetic diseases. Last evaluated: 2025-06-11. Review status: criteria provided, single submitter. Criteria: Ambry Variant Classification Scheme 2023. Collection method: clinical testing. Allele origin: germline.

Labcorp Genetics (formerly Invitae), Labcorp
Classification: Uncertain significance. Last evaluated: 2025-04-02. Review status: criteria provided, single submitter. Criteria: Invitae Variant Classification Sherloc (09022015). Collection method: clinical testing. Allele origin: germline.
Comment: This sequence change replaces isoleucine, which is neutral and non-polar, with valine, which is neutral and non-polar, at codon 723 of the DSG1 protein (p.Ile723Val). This variant is present in population databases (rs200791987, gnomAD 0.07%). This variant has not been reported in the literature in individuals affected with DSG1-related conditions. ClinVar contains an entry for this variant (Variation ID: 2866312). Invitae Evidence Modeling of protein sequence and biophysical properties (such as structural, functional, and spatial information, amino acid conservation, physicochemical variation, residue mobility, and thermodynamic stability) indicates that this missense variant is not expected to disrupt DSG1 protein function with a negative predictive value of 80%. In summary, the available evidence is currently insufficient to determine the role of this variant in disease. Therefore, it has been classified as a Variant of Uncertain Significance.

NM_001942.4(DSG1):c.2167A>G (p.Ile723Val)

Genes: DSG1 (desmoglein 1; plus strand), DSG1-AS1 (DSG1 antisense RNA 1; minus strand), LOC126862720 (MED14-independent group 3 enhancer GRCh37_chr18:28933613-28934812; plus strand). Cytogenetic location: 18q12.1.
Variant type: single nucleotide variant.
Coding change: c.2167A>G on transcript NM_001942.4 (MANE Select); coding-DNA position 2167, A replaced by G.
Protein change: p.Ile723Val; replaces isoleucine 723 with valine.
Molecular consequence: missense variant. On other transcripts: non-coding transcript variant (1).
Genome position (GRCh38, 1-based): chr18:31,354,363, A>G. VCF-style: chr18-31354363-A-G. GRCh37 (hg19) VCF-style: chr18-28934326-A-G.
Other names: c.2167A>G (NM_001942.2); short protein forms I723V.
Identifiers: ClinVar variation 2866312 (VCV002866312.4), dbSNP rs200791987, ClinGen allele CA8926304.